The following is an entry in ClinVar:

ClinVar aggregate classification (germline): Uncertain significance (1 of 4 stars; one submission).

Conditions:
Duchenne muscular dystrophy (DMD). Also called: MUSCULAR DYSTROPHY, PSEUDOHYPERTROPHIC PROGRESSIVE, DUCHENNE TYPE; Duchenne Muscular Dystrophy (DMD). Identifiers: Orphanet 98896, MedGen C0013264, MONDO:0010679, OMIM 310200.

gnomAD v4.1: 1 of 1,208,623 alleles (0.000083%); highest among the groups gnomAD compares: Non-Finnish European, 0.00011%; no homozygotes.

Submission:

Labcorp Genetics (formerly Invitae), Labcorp
Classification: Uncertain significance for Duchenne muscular dystrophy. Last evaluated: 2025-08-04. Review status: criteria provided, single submitter. Criteria: Invitae Variant Classification Sherloc (09022015). Collection method: clinical testing. Allele origin: germline.
Comment: This sequence change replaces serine, which is neutral and polar, with threonine, which is neutral and polar, at codon 3669 of the DMD protein (p.Ser3669Thr). This variant is not present in population databases (gnomAD no frequency). This variant has not been reported in the literature in individuals affected with DMD-related conditions. Invitae Evidence Modeling of protein sequence and biophysical properties (such as structural, functional, and spatial information, amino acid conservation, physicochemical variation, residue mobility, and thermodynamic stability) indicates that this missense variant is not expected to disrupt DMD protein function with a negative predictive value of 95%. In summary, the available evidence is currently insufficient to determine the role of this variant in disease. Therefore, it has been classified as a Variant of Uncertain Significance.

NM_004006.3(DMD):c.11006G>C (p.Ser3669Thr)

Gene: DMD (dystrophin; minus strand). Cytogenetic location: Xp21.2.
Variant type: single nucleotide variant.
Coding change: c.11006G>C on transcript NM_004006.3 (MANE Select); coding-DNA position 11006, G replaced by C.
Protein change: p.Ser3669Thr; replaces serine 3669 with threonine.
Molecular consequence: missense variant.
Genome position (GRCh38, 1-based): chrX:31,134,110, C>G on the plus strand (G>C on the coding strand, the complement: DMD is on the minus strand). VCF-style: chrX-31134110-C-G. GRCh37 (hg19) VCF-style: chrX-31152227-C-G.
Other names: c.10982G>C, p.Ser3661Thr (NM_000109.4); c.10994G>C, p.Ser3665Thr (NM_004009.3); c.10637G>C, p.Ser3546Thr (NM_004010.3); c.6983G>C, p.Ser2328Thr (NM_004011.4); c.6974G>C, p.Ser2325Thr (NM_004012.4); c.3626G>C, p.Ser1209Thr (NM_004013.3, NM_004021.3); c.2819G>C, p.Ser940Thr (NM_004014.3); c.1802G>C, p.Ser601Thr (NM_004015.3, NM_004016.3); and 3 more; short protein forms S2325T, S588T, S2328T, S3665T, S940T, S1209T, S3669T, S601T.
Identifiers: ClinVar variation 4753079 (VCV004753079.1).
Genomic context (GRCh38, chrX:31,134,110, plus strand): 5'-CGAGTGGCCTGATCCCAGCAAATCTGAGTCCCTTCTAGGTATTGGAGCTTACCTCTTGAA[C>G]TAGGGAAGGAGTTGTTGAGTTGCTCCATCACCTCCTCTAACCCTGTGCTTGTGTCCTGGG-3'
Protein context (NP_003997.2, residues 3659-3679): VMEQLNNSFP[Ser3669Thr]SRGRNTPGKP